The following is an entry in ClinVar:

ClinVar aggregate classification (germline): Likely benign (0 of 4 stars; one submission).

Conditions:
ZNF462-related disorder. Also called: ZNF462-related condition; ZNF462 related disease.

Allele frequency attached by ClinVar (database versions not stated): gnomAD 0.00001; ExAC 0.00002; gnomAD exomes 0.00002.
gnomAD v4.1: 12 of 1,612,282 alleles (0.00074%); highest among the groups gnomAD compares: South Asian, 0.0099%; no homozygotes.

Submission:

PreventionGenetics, part of Exact Sciences
Classification: Likely benign for ZNF462-related condition. Last evaluated: 2019-07-15. Review status: no assertion criteria provided. Collection method: clinical testing. Allele origin: germline.
Comment: This variant is classified as likely benign based on ACMG/AMP sequence variant interpretation guidelines (Richards et al. 2015 PMID: 25741868, with internal and published modifications).

NM_021224.6(ZNF462):c.7296T>C (p.His2432=)

Genes: ZNF462 (zinc finger protein 462; plus strand), LOC340512 (uncharacterized LOC340512; minus strand). Cytogenetic location: 9q31.2.
Variant type: single nucleotide variant.
Coding change: c.7296T>C on transcript NM_021224.6 (MANE Select); coding-DNA position 7296, T replaced by C.
Protein change: p.His2432=; no amino-acid change (histidine 2432 retained).
Molecular consequence: synonymous variant.
Genome position (GRCh38, 1-based): chr9:107,009,651, T>C. VCF-style: chr9-107009651-T-C. GRCh37 (hg19) VCF-style: chr9-109771932-T-C.
Other names: c.4701T>C, p.His1567= (NM_001347997.2).
Identifiers: ClinVar variation 3049434 (VCV003049434.2), dbSNP rs769992222, ClinGen allele CA5172461.